The following is an entry in ClinVar:

ClinVar aggregate classification (germline): Uncertain significance. Review status: criteria provided, multiple submitters, no conflicts (2 of 4 stars). 3 submissions from 3 submitters: Uncertain significance (3). Last evaluated 2024-12-17.

Conditions:
Duchenne muscular dystrophy (DMD). Also called: MUSCULAR DYSTROPHY, PSEUDOHYPERTROPHIC PROGRESSIVE, DUCHENNE TYPE; Duchenne Muscular Dystrophy (DMD). Identifiers: Orphanet 98896, MedGen C0013264, MONDO:0010679, OMIM 310200.

Submissions (3):

Labcorp Genetics (formerly Invitae), Labcorp
Classification: Uncertain significance for Duchenne muscular dystrophy. Last evaluated: 2024-12-17. Review status: criteria provided, single submitter. Criteria: Invitae Variant Classification Sherloc (09022015). Collection method: clinical testing. Allele origin: germline.
Comment: This sequence change replaces aspartic acid, which is acidic and polar, with valine, which is neutral and non-polar, at codon 360 of the DMD protein (p.Asp360Val). This variant is not present in population databases (gnomAD no frequency). This variant has not been reported in the literature in individuals affected with DMD-related conditions. ClinVar contains an entry for this variant (Variation ID: 497365). Invitae Evidence Modeling of protein sequence and biophysical properties (such as structural, functional, and spatial information, amino acid conservation, physicochemical variation, residue mobility, and thermodynamic stability) indicates that this missense variant is not expected to disrupt DMD protein function with a negative predictive value of 95%. In summary, the available evidence is currently insufficient to determine the role of this variant in disease. Therefore, it has been classified as a Variant of Uncertain Significance.

Revvity Omics, Revvity
Classification: Uncertain significance. Last evaluated: 2019-03-06. Review status: criteria provided, single submitter. Criteria: ACMG Guidelines, 2015. Collection method: clinical testing. Allele origin: germline.

Eurofins Ntd Llc (ga)
Classification: Uncertain significance. Last evaluated: 2016-10-06. Review status: criteria provided, single submitter. Criteria: EGL Classification Definitions 2015. Collection method: clinical testing. Allele origin: germline. Observed: 1 variant allele, 1 heterozygote.

NM_004006.3(DMD):c.1079A>T (p.Asp360Val)

Gene: DMD (dystrophin; minus strand). Cytogenetic location: Xp21.1.
Variant type: single nucleotide variant.
Coding change: c.1079A>T on transcript NM_004006.3 (MANE Select); coding-DNA position 1079, A replaced by T.
Protein change: p.Asp360Val; replaces aspartic acid 360 with valine.
Molecular consequence: missense variant.
Genome position (GRCh38, 1-based): chrX:32,645,034, T>A on the plus strand (A>T on the coding strand, the complement: DMD is on the minus strand). VCF-style: chrX-32645034-T-A. GRCh37 (hg19) VCF-style: chrX-32663151-T-A.
Other names: c.1079A>T (NM_004006.2); c.1055A>T, p.Asp352Val (NM_000109.4); c.1067A>T, p.Asp356Val (NM_004009.3); c.710A>T, p.Asp237Val (NM_004010.3); short protein forms D360V, D352V, D237V, D356V.
Identifiers: ClinVar variation 497365 (VCV000497365.15), dbSNP rs1556876337, ClinGen allele CA412661947.